The following is an entry in ClinVar:

NC_000011.10:g.(?_2775960)_(2777032_?)del

Gene: KCNQ1 (potassium voltage-gated channel subfamily Q member 1; plus strand). Cytogenetic location: 11p15.5.
Variant type: Deletion.
Identifiers: ClinVar variation 417341 (VCV000417341.1).

ClinVar aggregate classification (germline): Pathogenic (1 of 4 stars; one submission).

Conditions:
Long QT syndrome (LQTS). Identifiers: MedGen C0023976, MeSH D008133, MONDO:0002442. Disease mechanism: loss of function. Inheritance: Various modes of inheritance.

Submission:

Labcorp Genetics (formerly Invitae), Labcorp
Classification: Pathogenic for Long QT syndrome. Last evaluated: 2016-11-28. Review status: criteria provided, single submitter. Criteria: Invitae Variant Classification Sherloc (09022015). Collection method: clinical testing. Allele origin: germline.
Comment: This variant is a gross deletion of the genomic region from 11:2,796,374-2,799,075 encompassing exons 13-14 of the KCNQ1 gene. This leads to an in-frame deletion, preserving the integrity of the reading frame. Similar deletions of exons 13-14 have been reported in the literature in individuals affected with long QT syndrome (PMID: 25564553, 18774102). Missense substitutions (p.Arg539Trp, p.Ser546Leu, p.Arg555Cys, p.Arg555His, p.Ser566Phe, p.Ile567Thr) within exons 13-14 are reported to be deleterious (PMID: 10728423, 9386136, 24372464, Invitae database). This indicates that exons 13-14 are important for KCNQ1 protein function. For these reasons, this variant has been classified as Pathogenic.